The following is an entry in ClinVar:

ClinVar aggregate classification (germline): Uncertain significance (1 of 4 stars; one submission).

Conditions:
Epileptic encephalopathy. Identifiers: MedGen C0543888, HP:0200134.

Allele frequency attached by ClinVar (database versions not stated): gnomAD exomes 0.00001; gnomAD 0.00003.
gnomAD v4.1: 12 of 1,591,496 alleles (0.00075%); highest among the groups gnomAD compares: South Asian, 0.0022%; no homozygotes.

Submission:

Labcorp Genetics (formerly Invitae), Labcorp
Classification: Uncertain significance for Epileptic encephalopathy. Last evaluated: 2025-03-07. Review status: criteria provided, single submitter. Criteria: Invitae Variant Classification Sherloc (09022015). Collection method: clinical testing. Allele origin: germline.
Comment: This sequence change affects codon 294 of the FASN mRNA. It is a 'silent' change, meaning that it does not change the encoded amino acid sequence of the FASN protein. This variant is present in population databases (no rsID available, gnomAD 0.007%). This variant has not been reported in the literature in individuals affected with FASN-related conditions. ClinVar contains an entry for this variant (Variation ID: 573212). Algorithms developed to predict the effect of sequence changes on RNA splicing suggest that this variant may create or strengthen a splice site. In summary, the available evidence is currently insufficient to determine the role of this variant in disease. Therefore, it has been classified as a Variant of Uncertain Significance.

NM_004104.5(FASN):c.882C>T (p.Gly294=)

Gene: FASN (fatty acid synthase; minus strand). Cytogenetic location: 17q25.3.
Variant type: single nucleotide variant.
Coding change: c.882C>T on transcript NM_004104.5 (MANE Select); coding-DNA position 882, C replaced by T.
Protein change: p.Gly294=; no amino-acid change (glycine 294 retained).
Molecular consequence: synonymous variant.
Genome position (GRCh38, 1-based): chr17:82,092,709, G>A on the plus strand (C>T on the coding strand, the complement: FASN is on the minus strand). VCF-style: chr17-82092709-G-A. GRCh37 (hg19) VCF-style: chr17-80050585-G-A.
Identifiers: ClinVar variation 573212 (VCV000573212.6), dbSNP rs1249647390, ClinGen allele CA502433680.